The following is an entry in ClinVar:

NM_002645.4(PIK3C2A):c.254A>G (p.Lys85Arg)

Gene: PIK3C2A (phosphatidylinositol-4-phosphate 3-kinase catalytic subunit type 2 alpha; minus strand). Cytogenetic location: 11p15.1.
Variant type: single nucleotide variant.
Coding change: c.254A>G on transcript NM_002645.4 (MANE Select); coding-DNA position 254, A replaced by G.
Protein change: p.Lys85Arg; replaces lysine 85 with arginine.
Molecular consequence: missense variant. On other transcripts: intron variant (1).
Genome position (GRCh38, 1-based): chr11:17,169,488, T>C on the plus strand (A>G on the coding strand, the complement: PIK3C2A is on the minus strand). VCF-style: chr11-17169488-T-C. GRCh37 (hg19) VCF-style: chr11-17191035-T-C.
Other names: c.254A>G, p.Lys85Arg (NM_001321378.2, NM_001386870.1); c.-75-13859A>G (NM_001321380.2); short protein forms K85R.
Identifiers: ClinVar variation 2071048 (VCV002071048.2), dbSNP rs368452358, ClinGen allele CA5901601.

ClinVar aggregate classification (germline): Uncertain significance (1 of 4 stars; one submission).

Allele frequency attached by ClinVar (database versions not stated): gnomAD exomes 0.00001; ExAC 0.00006; gnomAD 0.00021; ESP Exome Variant Server 0.00023; TOPMed 0.00027.
gnomAD v4.1: 52 of 1,613,928 alleles (0.0032%); highest among the groups gnomAD compares: African/African-American, 0.067%; no homozygotes.

Submission:

Labcorp Genetics (formerly Invitae), Labcorp
Classification: Uncertain significance. Last evaluated: 2022-07-12. Review status: criteria provided, single submitter. Criteria: Invitae Variant Classification Sherloc (09022015). Collection method: clinical testing. Allele origin: germline.
Comment: In summary, the available evidence is currently insufficient to determine the role of this variant in disease. Therefore, it has been classified as a Variant of Uncertain Significance. Experimental studies and prediction algorithms are not available or were not evaluated, and the functional significance of this variant is currently unknown. This variant has not been reported in the literature in individuals affected with PIK3C2A-related conditions. This variant is present in population databases (rs368452358, gnomAD 0.08%). This sequence change replaces lysine, which is basic and polar, with arginine, which is basic and polar, at codon 85 of the PIK3C2A protein (p.Lys85Arg).